The following is an entry in ClinVar:

ClinVar aggregate classification (germline): Benign. Review status: criteria provided, single submitter (1 of 4 stars). 2 submissions from 2 submitters: Benign (1). 1 of the submissions does not count toward it. Last evaluated 2018-12-26.

Conditions:
CLASP2-related disorder. Also called: CLASP2-related condition.

Allele frequency attached by ClinVar (database versions not stated): gnomAD exomes 0.00009 and 0.00024; ExAC 0.00055; ESP Exome Variant Server 0.00088; TOPMed 0.00089; gnomAD 0.00090 and 0.00093; 1000 Genomes Project 30x 0.00187; 1000 Genomes Project 0.00200.
gnomAD v4.1: 274 of 1,595,398 alleles (0.017%); highest among the groups gnomAD compares: African/African-American, 0.34%; 1 homozygote.

Submissions (2):

Labcorp Genetics (formerly Invitae), Labcorp
Classification: Benign. Last evaluated: 2018-12-26. Review status: criteria provided, single submitter. Criteria: Invitae Variant Classification Sherloc (09022015). Collection method: clinical testing. Allele origin: germline.

PreventionGenetics, part of Exact Sciences
Classification: Likely benign for CLASP2-related condition. Last evaluated: 2020-02-19. Review status: no assertion criteria provided. Collection method: clinical testing. Allele origin: germline. Not counted in ClinVar's aggregate classification.
Comment: This variant is classified as likely benign based on ACMG/AMP sequence variant interpretation guidelines (Richards et al. 2015 PMID: 25741868, with internal and published modifications).

NM_001365631.1(CLASP2):c.1800T>C (p.Arg600=)

Gene: CLASP2 (cytoplasmic linker associated protein 2; minus strand). Cytogenetic location: 3p22.3.
Variant type: single nucleotide variant.
Coding change: c.1800T>C on transcript NM_001365631.1 (MANE Select); coding-DNA position 1800, T replaced by C.
Protein change: p.Arg600=; no amino-acid change (arginine 600 retained).
Molecular consequence: synonymous variant.
Genome position (GRCh38, 1-based): chr3:33,603,076, A>G on the plus strand (T>C on the coding strand, the complement: CLASP2 is on the minus strand). VCF-style: chr3-33603076-A-G. GRCh37 (hg19) VCF-style: chr3-33644568-A-G.
Other names: c.1101T>C, p.Arg367= (NM_001207044.3, NM_001375715.1, NM_001375720.1); c.1800T>C, p.Arg600= (NM_001365627.1, NM_001365629.1, NM_001365630.1 and 6 more transcripts); c.1803T>C, p.Arg601= (NM_001365628.1, NM_001365633.1, NM_001375701.1 and 2 more transcripts); c.1503T>C, p.Arg501= (NM_001375713.1); c.1122T>C, p.Arg374= (NM_001375716.1); c.1119T>C, p.Arg373= (NM_001375718.1).
Identifiers: ClinVar variation 747255 (VCV000747255.5), dbSNP rs375252014, ClinGen allele CA2302834.
Genomic context (GRCh38, chr3:33,603,076, plus strand): 5'-TCCAGCAGCATGATGTGCCTTGGCACCTGCAGCAGCATTCACATCAATGTCACTTCGTGA[A>G]CGCTGCAGGCTTCCTGGAAGGGAACTGGCTTTGCTGCTGCCTGCTGATACTACGAAATAC-3'
Protein context (NP_001352560.1, residues 590-610): KASSLPGSLQ[Arg600=]SRSDIDVNAA